The following is an entry in ClinVar:

ClinVar aggregate classification (germline): Uncertain significance. Review status: criteria provided, multiple submitters, no conflicts (2 of 4 stars). 3 submissions from 3 submitters: Uncertain significance (3). Last evaluated 2023-06-14.

Conditions:
Primary ciliary dyskinesia 3. Identifiers: Orphanet 244, MedGen C1837618, MONDO:0012085, OMIM 608644.
Primary ciliary dyskinesia. Also called: Ciliary dyskinesia. Identifiers: Orphanet 244, MedGen C0008780, MONDO:0016575, HP:0012265.

Allele frequency attached by ClinVar (database versions not stated): ExAC below 0.00001.
gnomAD v4.1: 8 of 1,612,404 alleles (0.0005%); highest among the groups gnomAD compares: South Asian, 0.0011%; no homozygotes.

Submissions (3):

Labcorp Genetics (formerly Invitae), Labcorp
Classification: Uncertain significance for Primary ciliary dyskinesia. Last evaluated: 2023-06-14. Review status: criteria provided, single submitter. Criteria: Invitae Variant Classification Sherloc (09022015). Collection method: clinical testing. Allele origin: germline.
Comment: This variant is not present in population databases (gnomAD no frequency). In summary, the available evidence is currently insufficient to determine the role of this variant in disease. Therefore, it has been classified as a Variant of Uncertain Significance. An algorithm developed to predict the effect of missense changes on protein structure and function (PolyPhen-2) suggests that this variant is likely to be disruptive. ClinVar contains an entry for this variant (Variation ID: 407237). This missense change has been observed in individual(s) with clinical features of primary ciliary dyskinesia and/or primary ciliary dyskinesia (Invitae). In at least one individual the data is consistent with being in trans (on the opposite chromosome) from a pathogenic variant. This sequence change replaces aspartic acid, which is acidic and polar, with tyrosine, which is neutral and polar, at codon 3520 of the DNAH5 protein (p.Asp3520Tyr).

Ambry Genetics
Classification: Uncertain significance for Primary ciliary dyskinesia. Last evaluated: 2022-06-12. Review status: criteria provided, single submitter. Criteria: Ambry Variant Classification Scheme 2023. Collection method: clinical testing. Allele origin: germline.
Comment: The p.D3520Y variant (also known as c.10558G>T), located in coding exon 63 of the DNAH5 gene, results from a G to T substitution at nucleotide position 10558. The aspartic acid at codon 3520 is replaced by tyrosine, an amino acid with highly dissimilar properties. This amino acid position is conserved. In addition, this alteration is predicted to be deleterious by in silico analysis. Since supporting evidence is limited at this time, the clinical significance of this alteration remains unclear.

Fulgent Genetics
Classification: Uncertain significance for Primary ciliary dyskinesia 3. Last evaluated: 2022-02-22. Review status: criteria provided, single submitter. Criteria: ACMG Guidelines, 2015. Collection method: clinical testing. Allele origin: unknown.

NM_001369.3(DNAH5):c.10558G>T (p.Asp3520Tyr)

Gene: DNAH5 (dynein axonemal heavy chain 5; minus strand). Cytogenetic location: 5p15.2.
Variant type: single nucleotide variant.
Coding change: c.10558G>T on transcript NM_001369.3 (MANE Select); coding-DNA position 10558, G replaced by T.
Protein change: p.Asp3520Tyr; replaces aspartic acid 3520 with tyrosine.
Molecular consequence: missense variant.
Genome position (GRCh38, 1-based): chr5:13,753,547, C>A on the plus strand (G>T on the coding strand, the complement: DNAH5 is on the minus strand). VCF-style: chr5-13753547-C-A. GRCh37 (hg19) VCF-style: chr5-13753656-C-A.
Other names: short protein forms D3520Y.
Identifiers: ClinVar variation 407237 (VCV000407237.14), dbSNP rs766829989, ClinGen allele CA3202180.
Genomic context (GRCh38, chr5:13,753,547, plus strand): 5'-CACGAAACTCTTGGTTAAATGGACCAGAATAAGATAGAAAAGCTGTAGCCAACAGTACAT[C>A]CCCTAAAATAGAAAACAAACACCATTGAAATACTTTACGTTCATCCGTGTGATTGTACAG-3'
Protein context (NP_001360.1, residues 3510-3530): FAAQTKRLVG[Asp3520Tyr]VLLATAFLSY